The following is an entry in ClinVar:

ClinVar aggregate classification (germline): Uncertain significance. Review status: criteria provided, multiple submitters, no conflicts (2 of 4 stars). 2 submissions from 2 submitters: Uncertain significance (2). Last evaluated 2021-08-26.

Conditions:
Autosomal recessive ataxia, Beauce type. Also called: Spinocerebellar ataxia, autosomal recessive 8; SYNE1-Related Autosomal Recessive Cerebellar Ataxia; SYNE1 Deficiency; ATAXIA, RECESSIVE, OF BEAUCE. Identifiers: Orphanet 88644, MedGen C1853116, MONDO:0012549, OMIM 610743.
Emery-Dreifuss muscular dystrophy 4, autosomal dominant (EDMD4). Also called: EMERY-DREIFUSS MUSCULAR DYSTROPHY 4 WITH VARIABLE FEATURES. Identifiers: Orphanet 261, MedGen C2751807, MONDO:0013071, OMIM 612998.

Allele frequency attached by ClinVar (database versions not stated): ExAC 0.00002; gnomAD 0.00001; gnomAD exomes 0.00002 and 0.00001; TOPMed 0.00005.
gnomAD v4.1: 16 of 1,613,988 alleles (0.00099%); highest among the groups gnomAD compares: African/African-American, 0.008%; no homozygotes.

Submissions (2):

Labcorp Genetics (formerly Invitae), Labcorp
Classification: Uncertain significance for Emery-Dreifuss muscular dystrophy 4, autosomal dominant; Autosomal recessive ataxia, Beauce type. Last evaluated: 2021-08-26. Review status: criteria provided, single submitter. Criteria: Invitae Variant Classification Sherloc (09022015). Collection method: clinical testing. Allele origin: germline.
Comment: This sequence change replaces arginine with glutamine at codon 8734 of the SYNE1 protein (p.Arg8734Gln). The arginine residue is highly conserved and there is a small physicochemical difference between arginine and glutamine. This variant is present in population databases (rs550697327, ExAC 0.02%). This variant has not been reported in the literature in individuals affected with SYNE1-related conditions. ClinVar contains an entry for this variant (Variation ID: 499024). Algorithms developed to predict the effect of missense changes on protein structure and function are either unavailable or do not agree on the potential impact of this missense change (SIFT: "Deleterious"; PolyPhen-2: "Probably Damaging"; Align-GVGD: "Class C0"). Algorithms developed to predict the effect of sequence changes on RNA splicing suggest that this variant may create or strengthen a splice site. In summary, the available evidence is currently insufficient to determine the role of this variant in disease. Therefore, it has been classified as a Variant of Uncertain Significance.

Eurofins Ntd Llc (ga)
Classification: Uncertain significance. Last evaluated: 2016-12-19. Review status: criteria provided, single submitter. Criteria: EGL Classification Definitions 2015. Collection method: clinical testing. Allele origin: germline. Observed: 1 variant allele, 1 heterozygote.

NM_182961.4(SYNE1):c.26345G>A (p.Arg8782Gln)

Genes: ESR1 (estrogen receptor 1; plus strand), SYNE1 (spectrin repeat containing nuclear envelope protein 1; minus strand). Cytogenetic location: 6q25.2.
Variant type: single nucleotide variant.
Coding change: c.26345G>A on transcript NM_182961.4 (MANE Select); coding-DNA position 26345, G replaced by A.
Protein change: p.Arg8782Gln; replaces arginine 8782 with glutamine.
Molecular consequence: missense variant. On other transcripts: 3 prime UTR variant (1), intron variant (1).
Genome position (GRCh38, 1-based): chr6:152,122,485, C>T on the plus strand (G>A on the coding strand, the complement: SYNE1 is on the minus strand). VCF-style: chr6-152122485-C-T. GRCh37 (hg19) VCF-style: chr6-152443620-C-T.
Other names: c.*156G>A (NM_001347701.2); c.2879G>A, p.Arg960Gln (NM_001347702.2); c.26201G>A, p.Arg8734Gln (NM_033071.5); c.851-2781C>T (NM_001328100.2); short protein forms R8734Q, R8782Q, R960Q.
Identifiers: ClinVar variation 499024 (VCV000499024.11), dbSNP rs550697327, ClinGen allele CA4052583.